The following is an entry in ClinVar:

ClinVar aggregate classification (germline): Uncertain significance (1 of 4 stars; one submission).

Conditions:
Inborn genetic diseases. Identifiers: MedGen C0950123, MeSH D030342.

gnomAD v4.1: 2 of 1,613,424 alleles (0.00012%); highest among the groups gnomAD compares: Non-Finnish European, 0.00017%; no homozygotes.

Submission:

Ambry Genetics
Classification: Uncertain significance for Inborn genetic diseases. Last evaluated: 2021-08-04. Review status: criteria provided, single submitter. Criteria: Ambry Variant Classification Scheme 2023. Collection method: clinical testing. Allele origin: germline.
Comment: The p.S1210Y variant (also known as c.3629C>A), located in coding exon 19 of the ATR gene, results from a C to A substitution at nucleotide position 3629. The serine at codon 1210 is replaced by tyrosine, an amino acid with dissimilar properties. This amino acid position is conserved. In addition, this alteration is predicted to be tolerated by in silico analysis. Since supporting evidence is limited at this time, the clinical significance of this alteration remains unclear.

NM_001184.4(ATR):c.3629C>A (p.Ser1210Tyr)

Gene: ATR (ATR checkpoint kinase; minus strand). Cytogenetic location: 3q23.
Variant type: single nucleotide variant.
Coding change: c.3629C>A on transcript NM_001184.4 (MANE Select); coding-DNA position 3629, C replaced by A.
Protein change: p.Ser1210Tyr; replaces serine 1210 with tyrosine.
Molecular consequence: missense variant.
Genome position (GRCh38, 1-based): chr3:142,538,578, G>T on the plus strand (C>A on the coding strand, the complement: ATR is on the minus strand). VCF-style: chr3-142538578-G-T. GRCh37 (hg19) VCF-style: chr3-142257420-G-T.
Other names: c.3437C>A, p.Ser1146Tyr (NM_001354579.2); short protein forms S1146Y, S1210Y.
Identifiers: ClinVar variation 1733378 (VCV001733378.2), dbSNP rs764664423, ClinGen allele CA84734086.